The following is an entry in ClinVar:

NM_003718.5(CDK13):c.352_353insCGGGCGGA (p.Arg118fs)

Genes: CDK13 (cyclin dependent kinase 13; plus strand), LOC129998292 (ATAC-STARR-seq lymphoblastoid silent region 18115; plus strand). Cytogenetic location: 7p14.1.
Variant type: Insertion.
Coding change: c.352_353insCGGGCGGA on transcript NM_003718.5 (MANE Select); coding-DNA positions 352 to 353, CGGGCGGA inserted.
Protein change: p.Arg118fs; shifts the reading frame from arginine 118.
Molecular consequence: frameshift variant.
Genome position: GRCh38 VCF-style: chr7-39950993-C-CCGGGCGGA. GRCh37 (hg19) VCF-style: chr7-39990592-C-CCGGGCGGA.
Other names: c.352_353insCGGGCGGA, p.Arg118Profs (NM_031267.4); short protein forms R118fs.
Identifiers: ClinVar variation 2034771 (VCV002034771.4), dbSNP rs2483669672, ClinGen allele CA2580077100.

ClinVar aggregate classification (germline): Pathogenic (1 of 4 stars; one submission).

Submission:

Labcorp Genetics (formerly Invitae), Labcorp
Classification: Pathogenic. Last evaluated: 2022-10-08. Review status: criteria provided, single submitter. Criteria: Invitae Variant Classification Sherloc (09022015). Collection method: clinical testing. Allele origin: germline.
Comment: For these reasons, this variant has been classified as Pathogenic. This variant has not been reported in the literature in individuals affected with CDK13-related conditions. This variant is not present in population databases (gnomAD no frequency). This sequence change creates a premature translational stop signal (p.Arg118Profs*26) in the CDK13 gene. It is expected to result in an absent or disrupted protein product. Loss-of-function variants in CDK13 are known to be pathogenic (PMID: 27479907, 29021403, 29393965).

Literature cited by the submitters: PubMed 27479907; PubMed 29021403; PubMed 29393965.